The following is an entry in ClinVar:

NM_004646.4(NPHS1):c.2090_2094del (p.Arg697fs)

Gene: NPHS1 (NPHS1 adhesion molecule, nephrin; minus strand). Cytogenetic location: 19q13.12.
Variant type: Microsatellite.
Coding change: c.2090_2094del on transcript NM_004646.4 (MANE Select); coding-DNA positions 2090 to 2094, 5 bases deleted (GCATC; older notation c.2090_2094delGCATC).
Protein change: p.Arg697fs; shifts the reading frame from arginine 697.
Molecular consequence: frameshift variant.
Genome position (GRCh38, 1-based): chr19:35,844,221-35,844,225, GATGC deleted on the plus strand (GCATC on the coding strand, the reverse complement: NPHS1 is on the minus strand); deleting any 5 consecutive bases within chr19:35,844,221-35,844,230 gives the same sequence; the c. name uses the placement nearest the transcript's 3' end. VCF-style (leftmost placement, unchanged base first): chr19-35844220-GGATGC-G. GRCh37 (hg19) VCF-style: chr19-36335122-GGATGC-G.
Other names: c.2090_2094del (NM_004646.3); short protein forms R697fs.
Identifiers: ClinVar variation 1451777 (VCV001451777.9), dbSNP rs2146822012, ClinGen allele CA2580612591.

ClinVar aggregate classification (germline): Pathogenic/Likely pathogenic. Review status: criteria provided, multiple submitters, no conflicts (2 of 4 stars). 2 submissions from 2 submitters: Pathogenic (1); Likely pathogenic (1). Last evaluated 2025-03-10.

Conditions:
Finnish congenital nephrotic syndrome (NPHS1). Also called: NEPHROTIC SYNDROME, TYPE 1. Identifiers: Orphanet 839, MedGen C0403399, MONDO:0009732, OMIM 256300.

Submissions (2):

Natera, Inc.
Classification: Likely pathogenic for Finnish congenital nephrotic syndrome. Last evaluated: 2025-03-10. Review status: criteria provided, single submitter. Criteria: Natera Variant Classification Schema (03/2026). Collection method: clinical testing. Allele origin: germline.
Comment: The c.2090_2094del variant in NPHS1 is a frameshift variant predicted to shift the reading frame beginning at codon 697 and leads to a stop codon 27 codons downstream. This variant is expected to result in nonsense mediated decay, truncation, or a dysfunctional protein product. This variant is rare in the general population with a frequency below the threshold expected for the associated phenotype(s). Given the available evidence, this variant is classified as Likely Pathogenic.

Labcorp Genetics (formerly Invitae), Labcorp
Classification: Pathogenic. Last evaluated: 2023-03-08. Review status: criteria provided, single submitter. Criteria: Invitae Variant Classification Sherloc (09022015). Collection method: clinical testing. Allele origin: germline.
Comment: For these reasons, this variant has been classified as Pathogenic. This variant has not been reported in the literature in individuals affected with NPHS1-related conditions. This variant is not present in population databases (gnomAD no frequency). This sequence change creates a premature translational stop signal (p.Arg697Profs*27) in the NPHS1 gene. It is expected to result in an absent or disrupted protein product. Loss-of-function variants in NPHS1 are known to be pathogenic (PMID: 11317351, 11854170, 12039988).

Literature cited by the submitters: PubMed 11317351 (cited by Labcorp Genetics (formerly Invitae), Labcorp); PubMed 11854170 (cited by Labcorp Genetics (formerly Invitae), Labcorp); PubMed 12039988 (cited by Labcorp Genetics (formerly Invitae), Labcorp).